The following is an entry in ClinVar:

ClinVar aggregate classification (germline): Uncertain significance. Review status: criteria provided, multiple submitters, no conflicts (2 of 4 stars). 2 submissions from 2 submitters: Uncertain significance (2). Last evaluated 2025-08-11.

Conditions:
Cardiovascular phenotype. Identifiers: MedGen CN230736.
Myofibrillar myopathy 6. Identifiers: Orphanet 199340, MedGen C2751831, MONDO:0013061, OMIM 612954.
Dilated cardiomyopathy 1HH (CMD1HH). Identifiers: Orphanet 154, MedGen C3151293, MONDO:0013479, OMIM 613881.

Allele frequency attached by ClinVar (database versions not stated): TOPMed below 0.00001; gnomAD 0.00001; gnomAD exomes 0.00001.
gnomAD v4.1: 5 of 1,585,216 alleles (0.00032%); highest among the groups gnomAD compares: East Asian, 0.0096%; no homozygotes.

Submissions (2):

Labcorp Genetics (formerly Invitae), Labcorp
Classification: Uncertain significance for Dilated cardiomyopathy 1HH; Myofibrillar myopathy 6. Last evaluated: 2025-08-11. Review status: criteria provided, single submitter. Criteria: Invitae Variant Classification Sherloc (09022015). Collection method: clinical testing. Allele origin: germline.
Comment: This sequence change replaces serine, which is neutral and polar, with proline, which is neutral and non-polar, at codon 7 of the BAG3 protein (p.Ser7Pro). This variant is not present in population databases (gnomAD no frequency). This variant has not been reported in the literature in individuals affected with BAG3-related conditions. ClinVar contains an entry for this variant (Variation ID: 1784164). An algorithm developed to predict the effect of missense changes on protein structure and function (PolyPhen-2) suggests that this variant is likely to be disruptive. In summary, the available evidence is currently insufficient to determine the role of this variant in disease. Therefore, it has been classified as a Variant of Uncertain Significance.

Ambry Genetics
Classification: Uncertain significance for Cardiovascular phenotype. Last evaluated: 2025-06-24. Review status: criteria provided, single submitter. Criteria: Ambry Variant Classification Scheme 2023. Collection method: clinical testing. Allele origin: germline.

NM_004281.4(BAG3):c.19T>C (p.Ser7Pro)

Gene: BAG3 (BAG cochaperone 3; plus strand). Cytogenetic location: 10q26.11.
Variant type: single nucleotide variant.
Coding change: c.19T>C on transcript NM_004281.4 (MANE Select); coding-DNA position 19, T replaced by C.
Protein change: p.Ser7Pro; replaces serine 7 with proline.
Molecular consequence: missense variant.
Genome position (GRCh38, 1-based): chr10:119,651,694, T>C. VCF-style: chr10-119651694-T-C. GRCh37 (hg19) VCF-style: chr10-121411206-T-C.
Other names: short protein forms S7P.
Identifiers: ClinVar variation 1784164 (VCV001784164.5), dbSNP rs1308142179, ClinGen allele CA378294002.